The following is an entry in ClinVar:

NM_020822.3(KCNT1):c.3156+6G>C

Gene: KCNT1 (potassium sodium-activated channel subfamily T member 1; plus strand). Cytogenetic location: 9q34.3.
Variant type: single nucleotide variant.
Coding change: c.3156+6G>C on transcript NM_020822.3 (MANE Select); 6 bases into the intron after coding-DNA position 3156, G replaced by C.
Molecular consequence: intron variant.
Genome position (GRCh38, 1-based): chr9:135,784,895, G>C. VCF-style: chr9-135784895-G-C. GRCh37 (hg19) VCF-style: chr9-138676741-G-C.
Other names: c.3021+6G>C (NM_001272003.2).
Identifiers: ClinVar variation 1482469 (VCV001482469.6), dbSNP rs1474671973, ClinGen allele CA2573144187.
Genomic context (GRCh38, chr9:135,784,895, plus strand): 5'-CGAGATCCCCATTGGCATCTACCGGACAGAGAGCCACGTCTTCTCCACCTCGGAGGTTCT[G>C]GGGCAGCCTGGGGGCTGGGACTGTGGCAGCCCCTGTCCTGTGTGACCCACAGCATCCCCA-3'

ClinVar aggregate classification (germline): Uncertain significance (1 of 4 stars; one submission).

Conditions:
Autosomal dominant nocturnal frontal lobe epilepsy 5. Also called: KCNT1-Related Epilepsy; Epilepsy, nocturnal frontal lobe, 5; CILIARY DYSKINESIA, PRIMARY, 28, WITHOUT SITUS INVERSUS; CILIARY DYSKINESIA, PRIMARY, 28, WITH SITUS INVERSUS. Identifiers: Orphanet 98784, MedGen C3554306, MONDO:0014002, OMIM 615005.
Developmental and epileptic encephalopathy, 14 (DEE14). Also called: Early infantile epileptic encephalopathy 14. Identifiers: Orphanet 293181, MedGen C3554195, MONDO:0013989, OMIM 614959.

Submission:

Labcorp Genetics (formerly Invitae), Labcorp
Classification: Uncertain significance for Autosomal dominant nocturnal frontal lobe epilepsy 5; Developmental and epileptic encephalopathy, 14. Last evaluated: 2022-02-17. Review status: criteria provided, single submitter. Criteria: Invitae Variant Classification Sherloc (09022015). Collection method: clinical testing. Allele origin: germline.
Comment: This variant is not present in population databases (gnomAD no frequency). In summary, the available evidence is currently insufficient to determine the role of this variant in disease. Therefore, it has been classified as a Variant of Uncertain Significance. Variants that disrupt the consensus splice site are a relatively common cause of aberrant splicing (PMID: 17576681, 9536098). Algorithms developed to predict the effect of sequence changes on RNA splicing suggest that this variant is not likely to affect RNA splicing. This variant has been observed in individual(s) with clinical features of KCNT1-related conditions (Invitae). This sequence change falls in intron 27 of the KCNT1 gene. It does not directly change the encoded amino acid sequence of the KCNT1 protein. It affects a nucleotide within the consensus splice site.

Literature cited by the submitters: PubMed 17576681; PubMed 9536098.